The following is an entry in ClinVar:

NM_001035.3(RYR2):c.13833A>G (p.Glu4611=)

Gene: RYR2 (ryanodine receptor 2; plus strand). Cytogenetic location: 1q43.
Variant type: single nucleotide variant.
Coding change: c.13833A>G on transcript NM_001035.3 (MANE Select); coding-DNA position 13833, A replaced by G.
Protein change: p.Glu4611=; no amino-acid change (glutamic acid 4611 retained).
Molecular consequence: synonymous variant.
Genome position (GRCh38, 1-based): chr1:237,793,917, A>G. VCF-style: chr1-237793917-A-G. GRCh37 (hg19) VCF-style: chr1-237957217-A-G.
Identifiers: ClinVar variation 3385870 (VCV003385870.1).
Genomic context (GRCh38, chr1:237,793,917, plus strand): 5'-TCCTATGTAGGTCCCATTGGTTATTTTTAAGCGAGAAAAGGAAGTGGCACGGAAATTGGA[A>G]TTTGATGGGCTTTATATTACAGAACAGCCTTCAGAAGATGATATTAAAGGCCAGTGGGAT-3'
Protein context (NP_001026.2, residues 4601-4621): KREKEVARKL[Glu4611=]FDGLYITEQP

ClinVar aggregate classification (germline): Likely benign (1 of 4 stars; one submission).

Conditions:
Catecholaminergic polymorphic ventricular tachycardia (CVPT). Also called: Catecholamine-induced polymorphic ventricular tachycardia. Identifiers: Orphanet 3286, MedGen C5574922, MONDO:0017990.

Submission:

All of Us Research Program, National Institutes of Health
Classification: Likely benign for Catecholaminergic polymorphic ventricular tachycardia. Last evaluated: 2024-03-24. Review status: criteria provided, single submitter. Criteria: ACMG Guidelines, 2015. Collection method: clinical testing. Allele origin: germline. Inheritance: Autosomal dominant inheritance. Observed: 1 variant allele, 1 heterozygote.
Comment: This study involves interpretation of variants in research participants for the purpose of population health screening. Participant phenotype was not available at the time of variant classification. Additional details can be found in publication PMID: 35346344, PMCID: PMC8962531